The following is an entry in ClinVar:

NM_014415.4(ZBTB11):c.2463T>G (p.Pro821=)

Gene: ZBTB11 (zinc finger and BTB domain containing 11; minus strand). Cytogenetic location: 3q12.3.
Variant type: single nucleotide variant.
Coding change: c.2463T>G on transcript NM_014415.4 (MANE Select); coding-DNA position 2463, T replaced by G.
Protein change: p.Pro821=; no amino-acid change (proline 821 retained).
Molecular consequence: synonymous variant.
Genome position (GRCh38, 1-based): chr3:101,652,785, A>C on the plus strand (T>G on the coding strand, the complement: ZBTB11 is on the minus strand). VCF-style: chr3-101652785-A-C. GRCh37 (hg19) VCF-style: chr3-101371629-A-C.
Identifiers: ClinVar variation 2654013 (VCV002654013.24), dbSNP rs2545758798, ClinGen allele CA434871703.

ClinVar aggregate classification (germline): Likely benign (1 of 4 stars; one submission).

Submission:

CeGaT Center for Human Genetics Tuebingen
Classification: Likely benign. Last evaluated: 2022-03-01. Review status: criteria provided, single submitter. Criteria: CeGaT Center For Human Genetics Tuebingen Variant Classification Criteria Version 2. Collection method: clinical testing. Allele origin: germline. Affected: yes. Observed: 1 variant allele.
Comment: ZBTB11: BP4, BP7